The following is an entry in ClinVar:

NM_004519.4(KCNQ3):c.1688A>T (p.Tyr563Phe)

Gene: KCNQ3 (potassium voltage-gated channel subfamily Q member 3; minus strand). Cytogenetic location: 8q24.22.
Variant type: single nucleotide variant.
Coding change: c.1688A>T on transcript NM_004519.4 (MANE Select); coding-DNA position 1688, A replaced by T.
Protein change: p.Tyr563Phe; replaces tyrosine 563 with phenylalanine.
Molecular consequence: missense variant.
Genome position (GRCh38, 1-based): chr8:132,137,897, T>A on the plus strand (A>T on the coding strand, the complement: KCNQ3 is on the minus strand). VCF-style: chr8-132137897-T-A. GRCh37 (hg19) VCF-style: chr8-133150144-T-A.
Other names: c.1688A>T (NM_004519.3); c.1328A>T, p.Tyr443Phe (NM_001204824.2); short protein forms Y443F, Y563F.
Identifiers: ClinVar variation 1054424 (VCV001054424.10), dbSNP rs1825157826, ClinGen allele CA372218837.
Genomic context (GRCh38, chr8:132,137,897, plus strand): 5'-CATAGGGCTTTGAGGGGAGCGCAGTCCCTCCAGATGTGACTGTCTCACCTCGTCTGAAGG[T>A]ACTTTATCCTGGAAAGCATGTCGAGATGCCCGGCAGAATACTGCTCAATCACATCCTTCA-3'
Protein context (NP_004510.1, residues 553-573): GHLDMLSRIK[Tyr563Phe]LQTRIDMIFT

ClinVar aggregate classification (germline): Uncertain significance. Review status: criteria provided, multiple submitters, no conflicts (2 of 4 stars). 2 submissions from 2 submitters: Uncertain significance (2). Last evaluated 2026-01-22.

Conditions:
Benign neonatal seizures. Also called: Benign familial neonatal seizures; Convulsions benign familial neonatal dominant form; Autosomal dominant form of benign neonatal seizures; Benign neonatal familial convulsions; Benign familial neonatal epilepsy. Identifiers: Orphanet 1949, MedGen C0220669, MONDO:0016027.

Submissions (2):

GeneDx
Classification: Uncertain significance. Last evaluated: 2026-01-22. Review status: criteria provided, single submitter. Criteria: GeneDx Variant Classification Process June 2021. Collection method: clinical testing. Allele origin: germline.
Comment: Not observed at significant frequency in large population cohorts (gnomAD); In silico analysis suggests that this missense variant does not alter protein structure/function; Has not been previously published as pathogenic or benign to our knowledge

Labcorp Genetics (formerly Invitae), Labcorp
Classification: Uncertain significance for Benign neonatal seizures. Last evaluated: 2021-05-21. Review status: criteria provided, single submitter. Criteria: Invitae Variant Classification Sherloc (09022015). Collection method: clinical testing. Allele origin: germline.
Comment: In summary, the available evidence is currently insufficient to determine the role of this variant in disease. Therefore, it has been classified as a Variant of Uncertain Significance. Algorithms developed to predict the effect of missense changes on protein structure and function (SIFT, PolyPhen-2, Align-GVGD) all suggest that this variant is likely to be tolerated, but these predictions have not been confirmed by published functional studies and their clinical significance is uncertain. This variant has not been reported in the literature in individuals with KCNQ3-related conditions. ClinVar contains an entry for this variant (Variation ID: 1054424). This variant is not present in population databases (ExAC no frequency). This sequence change replaces tyrosine with phenylalanine at codon 563 of the KCNQ3 protein (p.Tyr563Phe). The tyrosine residue is highly conserved and there is a small physicochemical difference between tyrosine and phenylalanine.